The following is an entry in ClinVar:

NM_017882.3(CLN6):c.230A>C (p.Asn77Thr)

Gene: CLN6 (CLN6 transmembrane ER protein; minus strand). Cytogenetic location: 15q23.
Variant type: single nucleotide variant.
Coding change: c.230A>C on transcript NM_017882.3 (MANE Select); coding-DNA position 230, A replaced by C.
Protein change: p.Asn77Thr; replaces asparagine 77 with threonine.
Molecular consequence: missense variant.
Genome position (GRCh38, 1-based): chr15:68,214,357, T>G on the plus strand (A>C on the coding strand, the complement: CLN6 is on the minus strand). VCF-style: chr15-68214357-T-G. GRCh37 (hg19) VCF-style: chr15-68506695-T-G.
Other names: short protein forms N77T.
Identifiers: ClinVar variation 1376934 (VCV001376934.5), dbSNP rs776974644, ClinGen allele CA7630658.

ClinVar aggregate classification (germline): Uncertain significance (1 of 4 stars; one submission).

Conditions:
Neuronal ceroid lipofuscinosis. Also called: Neuronal Ceroid Lipofuscinoses. Identifiers: Orphanet 216, Orphanet 79263, MedGen C0027877, MONDO:0016295. Disease mechanism: loss of function.

Allele frequency attached by ClinVar (database versions not stated): gnomAD exomes below 0.00001; ExAC 0.00001.
gnomAD v4.1: 3 of 1,614,080 alleles (0.00019%); highest among the groups gnomAD compares: Non-Finnish European, 0.00025%; no homozygotes.

Submission:

Labcorp Genetics (formerly Invitae), Labcorp
Classification: Uncertain significance for Neuronal ceroid lipofuscinosis. Last evaluated: 2023-12-11. Review status: criteria provided, single submitter. Criteria: Invitae Variant Classification Sherloc (09022015). Collection method: clinical testing. Allele origin: germline.
Comment: This sequence change replaces asparagine, which is neutral and polar, with threonine, which is neutral and polar, at codon 77 of the CLN6 protein (p.Asn77Thr). This variant is present in population databases (rs776974644, gnomAD 0.0009%). This variant has not been reported in the literature in individuals affected with CLN6-related conditions. ClinVar contains an entry for this variant (Variation ID: 1376934). Advanced modeling of protein sequence and biophysical properties (such as structural, functional, and spatial information, amino acid conservation, physicochemical variation, residue mobility, and thermodynamic stability) performed at Invitae indicates that this missense variant is not expected to disrupt CLN6 protein function with a negative predictive value of 80%. In summary, the available evidence is currently insufficient to determine the role of this variant in disease. Therefore, it has been classified as a Variant of Uncertain Significance.